The following is an entry in ClinVar:

NM_001388453.1(QRICH2):c.2238TCA[1] (p.His747del)

Gene: QRICH2 (glutamine rich 2; minus strand). Cytogenetic location: 17q25.1.
Variant type: Microsatellite.
Coding change: c.2238TCA[1] on transcript NM_001388453.1 (MANE Select); one copy of the 3-base unit TCA starting at c.2238; the reference has two copies in a row; one copy, 3 bases deleted.
Protein change: p.His747del; deletes histidine 747.
Genome position (GRCh38, 1-based): chr17:76,292,484-76,292,486, TGA deleted on the plus strand (TCA on the coding strand, the reverse complement: QRICH2 is on the minus strand); deleting any 3 consecutive bases within chr17:76,292,484-76,292,490 gives the same sequence; the position shown is the placement nearest the transcript's 3' end. VCF-style (leftmost placement, unchanged base first): chr17-76292483-CTGA-C. GRCh37 (hg19) VCF-style: chr17-74288564-CTGA-C.
Other names: c.2238TCA[1], p.His747del (NM_032134.3); short protein forms H747del.
Identifiers: ClinVar variation 3059125 (VCV003059125.2), dbSNP rs34007000, ClinGen allele CA8784145.

ClinVar aggregate classification (germline): Benign (0 of 4 stars; one submission).

Conditions:
QRICH2-related disorder. Also called: QRICH2-related condition.

Submission:

PreventionGenetics, part of Exact Sciences
Classification: Benign for QRICH2-related condition. Last evaluated: 2019-05-19. Review status: no assertion criteria provided. Collection method: clinical testing. Allele origin: germline.
Comment: This variant is classified as benign based on ACMG/AMP sequence variant interpretation guidelines (Richards et al. 2015 PMID: 25741868, with internal and published modifications).